The following is an entry in ClinVar:

ClinVar aggregate classification (germline): Likely benign. Review status: criteria provided, multiple submitters, no conflicts (2 of 4 stars). 3 submissions from 3 submitters: Likely benign (3). Last evaluated 2026-02-04.

Conditions:
BAP1-related tumor predisposition syndrome (TPDS1). Also called: TUMOR PREDISPOSITION SYNDROME 1; COMMON Syndrome; BAP1 tumor predisposition syndrome; Tumor susceptibility linked to germline BAP1 mutations. Identifiers: Orphanet 289539, MedGen C3280492, MONDO:0013692, OMIM 614327.
Hereditary cancer-predisposing syndrome. Also called: Hereditary Cancer Syndrome; Hereditary neoplastic syndrome; Neoplastic Syndromes, Hereditary; Tumor predisposition. Identifiers: Orphanet 140162, MedGen C0027672, MeSH D009386, MONDO:0015356.

Allele frequency attached by ClinVar (database versions not stated): gnomAD exomes 0.00015; ExAC 0.00019; TOPMed 0.00036; ESP Exome Variant Server 0.00070.

Submissions (3):

Labcorp Genetics (formerly Invitae), Labcorp
Classification: Likely benign for BAP1-related tumor predisposition syndrome. Last evaluated: 2026-02-04. Review status: criteria provided, single submitter. Criteria: Invitae Variant Classification Sherloc (09022015). Collection method: clinical testing. Allele origin: germline.

GeneDx
Classification: Likely benign. Last evaluated: 2017-07-17. Review status: criteria provided, single submitter. Criteria: GeneDx Variant Classification (06012015). Collection method: clinical testing. Allele origin: germline. Affected: yes.
Comment: This variant is considered likely benign or benign based on one or more of the following criteria: it is a conservative change, it occurs at a poorly conserved position in the protein, it is predicted to be benign by multiple in silico algorithms, and/or has population frequency not consistent with disease.

Color Diagnostics, LLC DBA Color Health
Classification: Likely benign for Hereditary cancer-predisposing syndrome. Last evaluated: 2016-05-25. Review status: criteria provided, single submitter. Criteria: ACMG Guidelines, 2015. Collection method: clinical testing. Allele origin: germline.

NM_004656.4(BAP1):c.659+18G>T

Gene: BAP1 (BRCA1 associated deubiquitinase 1; minus strand). Cytogenetic location: 3p21.1.
Variant type: single nucleotide variant.
Coding change: c.659+18G>T on transcript NM_004656.4 (MANE Select); 18 bases into the intron after coding-DNA position 659, G replaced by T.
Molecular consequence: intron variant.
Genome position (GRCh38, 1-based): chr3:52,406,811, C>A on the plus strand (G>T on the coding strand, the complement: BAP1 is on the minus strand). VCF-style: chr3-52406811-C-A. GRCh37 (hg19) VCF-style: chr3-52440827-C-A.
Other names: c.659+18G>T (LRG_529t1).
Identifiers: ClinVar variation 390801 (VCV000390801.11), dbSNP rs377298140, ClinGen allele CA2437036.